The following is an entry in ClinVar:

NM_018714.3(COG1):c.1742T>C (p.Ile581Thr)

Gene: COG1 (component of oligomeric golgi complex 1; plus strand). Cytogenetic location: 17q25.1.
Variant type: single nucleotide variant.
Coding change: c.1742T>C on transcript NM_018714.3 (MANE Select); coding-DNA position 1742, T replaced by C.
Protein change: p.Ile581Thr; replaces isoleucine 581 with threonine.
Molecular consequence: missense variant.
Genome position (GRCh38, 1-based): chr17:73,201,569, T>C. VCF-style: chr17-73201569-T-C. GRCh37 (hg19) VCF-style: chr17-71197708-T-C.
Other names: short protein forms I581T.
Identifiers: ClinVar variation 1375975 (VCV001375975.8), dbSNP rs2145098238, ClinGen allele CA400892895.

ClinVar aggregate classification (germline): Uncertain significance (1 of 4 stars; one submission).

Conditions:
COG1 congenital disorder of glycosylation (CDG2G). Also called: CDG IIg; CDGII/COG1 CEREBROCOSTOMANDIBULAR-LIKE SYNDROME; CONGENITAL DISORDER OF GLYCOSYLATION, TYPE IIg. Identifiers: Orphanet 263508, MedGen C2931011, MONDO:0012637, OMIM 611209.

Submission:

Labcorp Genetics (formerly Invitae), Labcorp
Classification: Uncertain significance for COG1 congenital disorder of glycosylation. Last evaluated: 2022-10-05. Review status: criteria provided, single submitter. Criteria: Invitae Variant Classification Sherloc (09022015). Collection method: clinical testing. Allele origin: germline.
Comment: This variant is not present in population databases (gnomAD no frequency). This sequence change replaces isoleucine, which is neutral and non-polar, with threonine, which is neutral and polar, at codon 581 of the COG1 protein (p.Ile581Thr). This variant has not been reported in the literature in individuals affected with COG1-related conditions. ClinVar contains an entry for this variant (Variation ID: 1375975). Advanced modeling of protein sequence and biophysical properties (such as structural, functional, and spatial information, amino acid conservation, physicochemical variation, residue mobility, and thermodynamic stability) performed at Invitae indicates that this missense variant is expected to disrupt COG1 protein function. In summary, the available evidence is currently insufficient to determine the role of this variant in disease. Therefore, it has been classified as a Variant of Uncertain Significance.